The following is an entry in ClinVar:

NM_052854.4(CREB3L1):c.1325T>G (p.Leu442Arg)

Gene: CREB3L1 (cAMP responsive element binding protein 3 like 1; plus strand). Cytogenetic location: 11p11.2.
Variant type: single nucleotide variant.
Coding change: c.1325T>G on transcript NM_052854.4 (MANE Select); coding-DNA position 1325, T replaced by G.
Protein change: p.Leu442Arg; replaces leucine 442 with arginine.
Molecular consequence: missense variant.
Genome position (GRCh38, 1-based): chr11:46,320,330, T>G. VCF-style: chr11-46320330-T-G. GRCh37 (hg19) VCF-style: chr11-46341881-T-G.
Other names: short protein forms L442R.
Identifiers: ClinVar variation 744442 (VCV000744442.13), dbSNP rs544539212, ClinGen allele CA5961857.

ClinVar aggregate classification (germline): Benign. Review status: criteria provided, multiple submitters, no conflicts (2 of 4 stars). 3 submissions from 3 submitters: Benign (2). 1 of the submissions does not count toward it. Last evaluated 2025-11-23.

Conditions:
CREB3L1-related disorder. Also called: CREB3L1-related condition.
Osteogenesis imperfecta type 16. Also called: OI, TYPE XVI; Osteogenesis imperfecta, type xvi. Identifiers: Orphanet 666, MedGen C4015610, MONDO:0014544, OMIM 616229.

Allele frequency attached by ClinVar (database versions not stated): gnomAD 0.00004 and 0.00047; TOPMed 0.00011; gnomAD exomes 0.00072 and 0.00147; ExAC 0.00183; 1000 Genomes Project 30x 0.00500; 1000 Genomes Project 0.00519.
gnomAD v4.1: 1,138 of 1,612,806 alleles (0.071%); highest among the groups gnomAD compares: South Asian, 1.1%; 19 homozygotes.

Submissions (3):

Labcorp Genetics (formerly Invitae), Labcorp
Classification: Benign. Last evaluated: 2025-11-23. Review status: criteria provided, single submitter. Criteria: Invitae Variant Classification Sherloc (09022015). Collection method: clinical testing. Allele origin: germline.

ARUP Laboratories, Molecular Genetics and Genomics, ARUP Laboratories
Classification: Benign for Osteogenesis imperfecta type 16. Last evaluated: 2023-12-04. Review status: criteria provided, single submitter. Criteria: ARUP Molecular Germline Variant Investigation Process 2024. Collection method: clinical testing. Allele origin: germline.

PreventionGenetics, part of Exact Sciences
Classification: Benign for CREB3L1-related condition. Last evaluated: 2019-05-24. Review status: no assertion criteria provided. Collection method: clinical testing. Allele origin: germline. Not counted in ClinVar's aggregate classification.
Comment: This variant is classified as benign based on ACMG/AMP sequence variant interpretation guidelines (Richards et al. 2015 PMID: 25741868, with internal and published modifications).